The following is an entry in ClinVar:

ClinVar aggregate classification (germline): Uncertain significance (1 of 4 stars; one submission).

Submission:

Labcorp Genetics (formerly Invitae), Labcorp
Classification: Uncertain significance. Last evaluated: 2022-04-12. Review status: criteria provided, single submitter. Criteria: Invitae Variant Classification Sherloc (09022015). Collection method: clinical testing. Allele origin: germline.
Comment: This sequence change replaces methionine, which is neutral and non-polar, with threonine, which is neutral and polar, at codon 14 of the CTNNB1 protein (p.Met14Thr). This variant is not present in population databases (gnomAD no frequency). In summary, the available evidence is currently insufficient to determine the role of this variant in disease. Therefore, it has been classified as a Variant of Uncertain Significance. Algorithms developed to predict the effect of missense changes on protein structure and function (SIFT, PolyPhen-2, Align-GVGD) all suggest that this variant is likely to be tolerated. This variant has not been reported in the literature in individuals affected with CTNNB1-related conditions.

NM_001904.4(CTNNB1):c.41T>C (p.Met14Thr)

Genes: CTNNB1 (catenin beta 1; plus strand), LOC126806658 (BRD4-independent group 4 enhancer GRCh37_chr3:41265899-41267098; plus strand). Cytogenetic location: 3p22.1.
Variant type: single nucleotide variant.
Coding change: c.41T>C on transcript NM_001904.4 (MANE Select); coding-DNA position 41, T replaced by C.
Protein change: p.Met14Thr; replaces methionine 14 with threonine.
Molecular consequence: missense variant.
Genome position (GRCh38, 1-based): chr3:41,224,553, T>C. VCF-style: chr3-41224553-T-C. GRCh37 (hg19) VCF-style: chr3-41266044-T-C.
Other names: c.41T>C, p.Met14Thr (NM_001098209.2, NM_001098210.2); c.20T>C, p.Met7Thr (NM_001330729.2); short protein forms M14T, M7T.
Identifiers: ClinVar variation 2115698 (VCV002115698.4), dbSNP rs2470773619, ClinGen allele CA352228017.